The following is an entry in ClinVar:

NM_000533.5(PLP1):c.594C>A (p.Gly198=)

Genes: PLP1 (proteolipid protein 1; plus strand), RAB9B (RAB9B, member RAS oncogene family; minus strand). Cytogenetic location: Xq22.2.
Variant type: single nucleotide variant.
Coding change: c.594C>A on transcript NM_000533.5 (MANE Select); coding-DNA position 594, C replaced by A.
Protein change: p.Gly198=; no amino-acid change (glycine 198 retained).
Molecular consequence: synonymous variant.
Genome position (GRCh38, 1-based): chrX:103,787,938, C>A. VCF-style: chrX-103787938-C-A. GRCh37 (hg19) VCF-style: chrX-103042867-C-A.
Other names: p.Gly198=; c.594C>A, p.Gly198= (NM_001128834.3); c.429C>A, p.Gly143= (NM_001305004.1); c.489C>A, p.Gly163= (NM_199478.3).
Identifiers: ClinVar variation 1012884 (VCV001012884.45), dbSNP rs757600628, ClinGen allele CA10478996.
Genomic context (GRCh38, chrX:103,787,938, plus strand): 5'-CAACACCTGGACCACCTGCCAGTCTATTGCCTTCCCCAGCAAGACCTCTGCCAGTATAGG[C>A]AGTCTCTGTGCTGATGCCAGAATGTATGGTGAGTTAGGGTACGGGTGCTTTGGCTCTCCT-3'
Protein context (NP_000524.3, residues 188-208): AFPSKTSASI[Gly198=]SLCADARMYG

ClinVar aggregate classification (germline): Benign/Likely benign. Review status: criteria provided, multiple submitters, no conflicts (2 of 4 stars). 5 submissions from 5 submitters: Benign (1); Likely benign (4). Last evaluated 2025-05-02.

Conditions:
Hereditary spastic paraplegia 2 (SPG2). Also called: SPASTIC PARAPLEGIA 2, X-LINKED; Spastic Paraplegia 2 (SPG2). Identifiers: Orphanet 99015, MedGen C0751604, MONDO:0010733, OMIM 312920.

Allele frequency attached by ClinVar (database versions not stated): gnomAD 0.00001; ExAC 0.00002; gnomAD exomes 0.00002; TOPMed 0.00002.
gnomAD v4.1: 24 of 1,208,998 alleles (0.002%); highest among the groups gnomAD compares: Middle Eastern, 0.11%; no homozygotes.

Submissions (5):

Labcorp Genetics (formerly Invitae), Labcorp
Classification: Benign for Hereditary spastic paraplegia 2. Last evaluated: 2025-05-02. Review status: criteria provided, single submitter. Criteria: Invitae Variant Classification Sherloc (09022015). Collection method: clinical testing. Allele origin: germline.

Mayo Clinic Laboratories, Mayo Clinic
Classification: Likely benign. Last evaluated: 2024-11-20. Review status: criteria provided, single submitter. Criteria: ACMG Guidelines, 2015. Collection method: clinical testing. Allele origin: germline. Observed: 1 variant allele.
Comment: BS2, BP4, BP7

Blueprint Genetics
Classification: Likely benign. Last evaluated: 2024-06-06. Review status: criteria provided, single submitter. Criteria: ACMG Guidelines, 2015. Collection method: clinical testing. Allele origin: germline.

CeGaT Center for Human Genetics Tuebingen
Classification: Likely benign. Last evaluated: 2020-12-01. Review status: criteria provided, single submitter. Criteria: CeGaT Center For Human Genetics Tuebingen Variant Classification Criteria Version 2. Collection method: clinical testing. Allele origin: germline. Affected: yes. Observed: 1 variant allele.

Breakthrough Genomics
Classification: Likely benign. Review status: criteria provided, single submitter. Criteria: ACMG Guidelines, 2015. Collection method: not provided. Allele origin: germline. Inheritance: X-linked inheritance. Affected: yes.